The following is an entry in ClinVar:

NM_001367561.1(DOCK7):c.5172G>A (p.Met1724Ile)

Gene: DOCK7 (dedicator of cytokinesis 7; minus strand). Cytogenetic location: 1p31.3.
Variant type: single nucleotide variant.
Coding change: c.5172G>A on transcript NM_001367561.1 (MANE Select); coding-DNA position 5172, G replaced by A.
Protein change: p.Met1724Ile; replaces methionine 1724 with isoleucine.
Molecular consequence: missense variant.
Genome position (GRCh38, 1-based): chr1:62,494,320, C>T on the plus strand (G>A on the coding strand, the complement: DOCK7 is on the minus strand). VCF-style: chr1-62494320-C-T. GRCh37 (hg19) VCF-style: chr1-62959991-C-T.
Other names: c.5145G>A, p.Met1715Ile (NM_001271999.2, NM_001330614.2); c.5052G>A, p.Met1684Ile (NM_001272000.2, NM_001272001.2); c.5079G>A, p.Met1693Ile (NM_033407.4); c.5079G>A (NM_033407.2); short protein forms M1715I, M1693I, M1724I, M1684I.
Identifiers: ClinVar variation 574108 (VCV000574108.7), dbSNP rs772608037, ClinGen allele CA885536.

ClinVar aggregate classification (germline): Uncertain significance. Review status: criteria provided, multiple submitters, no conflicts (2 of 4 stars). 3 submissions from 3 submitters: Uncertain significance (3). Last evaluated 2023-04-11.

Conditions:
Inborn genetic diseases. Identifiers: MedGen C0950123, MeSH D030342.
Developmental and epileptic encephalopathy, 23 (DEE23). Also called: Epileptic encephalopathy, early infantile, 23. Identifiers: Orphanet 411986, MedGen C4014492, MONDO:0014371, OMIM 615859.

Allele frequency attached by ClinVar (database versions not stated): TOPMed below 0.00001; ExAC 0.00001.

Submissions (3):

Genome-Nilou Lab
Classification: Uncertain significance for Developmental and epileptic encephalopathy, 23. Last evaluated: 2023-04-11. Review status: criteria provided, single submitter. Criteria: ACMG Guidelines, 2015. Collection method: clinical testing. Allele origin: germline. Affected: no.

Labcorp Genetics (formerly Invitae), Labcorp
Classification: Uncertain significance for Developmental and epileptic encephalopathy, 23. Last evaluated: 2022-10-28. Review status: criteria provided, single submitter. Criteria: Invitae Variant Classification Sherloc (09022015). Collection method: clinical testing. Allele origin: germline.
Comment: In summary, the available evidence is currently insufficient to determine the role of this variant in disease. Therefore, it has been classified as a Variant of Uncertain Significance. Algorithms developed to predict the effect of missense changes on protein structure and function (SIFT, PolyPhen-2, Align-GVGD) all suggest that this variant is likely to be tolerated. ClinVar contains an entry for this variant (Variation ID: 574108). This variant has not been reported in the literature in individuals affected with DOCK7-related conditions. This variant is present in population databases (rs772608037, gnomAD 0.0009%). This sequence change replaces methionine, which is neutral and non-polar, with isoleucine, which is neutral and non-polar, at codon 1715 of the DOCK7 protein (p.Met1715Ile).

Ambry Genetics
Classification: Uncertain significance for Inborn genetic diseases. Last evaluated: 2021-09-27. Review status: criteria provided, single submitter. Criteria: Ambry Variant Classification Scheme 2023. Collection method: clinical testing. Allele origin: germline.